The following is an entry in ClinVar:

ClinVar aggregate classification (germline): Uncertain significance (1 of 4 stars; one submission).

Conditions:
Cardiovascular phenotype. Identifiers: MedGen CN230736.

gnomAD v4.1: 3 of 1,614,164 alleles (0.00019%); highest among the groups gnomAD compares: Non-Finnish European, 0.00025%; no homozygotes.

Submission:

Ambry Genetics
Classification: Uncertain significance for Cardiovascular phenotype. Last evaluated: 2024-06-27. Review status: criteria provided, single submitter. Criteria: Ambry Variant Classification Scheme 2023. Collection method: clinical testing. Allele origin: germline.
Comment: The p.N1712K variant (also known as c.5136C>G), located in coding exon 23 of the DSP gene, results from a C to G substitution at nucleotide position 5136. The asparagine at codon 1712 is replaced by lysine, an amino acid with similar properties. This amino acid position is conserved. In addition, this alteration is predicted to be tolerated by in silico analysis. Based on the available evidence, the clinical significance of this variant remains unclear.

NM_004415.4(DSP):c.5136C>G (p.Asn1712Lys)

Gene: DSP (desmoplakin; plus strand). Cytogenetic location: 6p24.3.
Variant type: single nucleotide variant.
Coding change: c.5136C>G on transcript NM_004415.4 (MANE Select); coding-DNA position 5136, C replaced by G.
Protein change: p.Asn1712Lys; replaces asparagine 1712 with lysine.
Molecular consequence: missense variant. On other transcripts: intron variant (2).
Genome position (GRCh38, 1-based): chr6:7,581,326, C>G. VCF-style: chr6-7581326-C-G. GRCh37 (hg19) VCF-style: chr6-7581559-C-G.
Other names: c.4050+1086C>G (NM_001319034.2); c.3583-1316C>G (NM_001008844.3); short protein forms N1712K.
Identifiers: ClinVar variation 3505477 (VCV003505477.1).